The following is an entry in ClinVar:

ClinVar aggregate classification (germline): Uncertain significance (1 of 4 stars; one submission).

Allele frequency attached by ClinVar (database versions not stated): ExAC 0.00001; gnomAD exomes 0.00001.
gnomAD v4.1: 13 of 1,614,196 alleles (0.00081%); highest among the groups gnomAD compares: South Asian, 0.014%; no homozygotes.

Submission:

Labcorp Genetics (formerly Invitae), Labcorp
Classification: Uncertain significance. Last evaluated: 2021-08-26. Review status: criteria provided, single submitter. Criteria: Invitae Variant Classification Sherloc (09022015). Collection method: clinical testing. Allele origin: germline.
Comment: In summary, the available evidence is currently insufficient to determine the role of this variant in disease. Therefore, it has been classified as a Variant of Uncertain Significance. Algorithms developed to predict the effect of missense changes on protein structure and function (SIFT, PolyPhen-2, Align-GVGD) all suggest that this variant is likely to be tolerated. This variant has not been reported in the literature in individuals affected with GPR179-related conditions. This variant is present in population databases (rs763891099, ExAC 0.006%). This sequence change replaces glutamine with arginine at codon 1643 of the GPR179 protein (p.Gln1643Arg). The glutamine residue is weakly conserved and there is a small physicochemical difference between glutamine and arginine.

NM_001004334.4(GPR179):c.4928A>G (p.Gln1643Arg)

Gene: GPR179 (G protein-coupled receptor 179; minus strand). Cytogenetic location: 17q12.
Variant type: single nucleotide variant.
Coding change: c.4928A>G on transcript NM_001004334.4 (MANE Select); coding-DNA position 4928, A replaced by G.
Protein change: p.Gln1643Arg; replaces glutamine 1643 with arginine.
Molecular consequence: missense variant.
Genome position (GRCh38, 1-based): chr17:38,328,641, T>C on the plus strand (A>G on the coding strand, the complement: GPR179 is on the minus strand). VCF-style: chr17-38328641-T-C. GRCh37 (hg19) VCF-style: chr17-36484524-T-C.
Other names: short protein forms Q1643R.
Identifiers: ClinVar variation 1482012 (VCV001482012.6), dbSNP rs763891099, ClinGen allele CA290103845.